The following is an entry in ClinVar:

NM_005157.6(ABL1):c.1264G>A (p.Val422Ile)

Gene: ABL1 (ABL proto-oncogene 1, non-receptor tyrosine kinase; plus strand). Cytogenetic location: 9q34.12.
Variant type: single nucleotide variant.
Coding change: c.1264G>A on transcript NM_005157.6 (MANE Select); coding-DNA position 1264, G replaced by A.
Protein change: p.Val422Ile; replaces valine 422 with isoleucine.
Molecular consequence: missense variant.
Genome position (GRCh38, 1-based): chr9:130,875,046, G>A. VCF-style: chr9-130875046-G-A. GRCh37 (hg19) VCF-style: chr9-133750433-G-A.
Other names: c.1321G>A, p.Val441Ile (NM_007313.3); c.1321G>A (NM_007313.2); short protein forms V441I, V422I.
Identifiers: ClinVar variation 1984011 (VCV001984011.5), dbSNP rs867460090, ClinGen allele CA200646607.

ClinVar aggregate classification (germline): Uncertain significance. Review status: criteria provided, multiple submitters, no conflicts (2 of 4 stars). 2 submissions from 2 submitters: Uncertain significance (2). Last evaluated 2025-08-31.

Conditions:
Inborn genetic diseases. Identifiers: MedGen C0950123, MeSH D030342.

Allele frequency attached by ClinVar (database versions not stated): gnomAD exomes 0.00001; gnomAD 0.00002; TOPMed 0.00003.
gnomAD v4.1: 12 of 1,614,020 alleles (0.00074%); highest among the groups gnomAD compares: Admixed American, 0.0067%; no homozygotes.

Submissions (2):

Ambry Genetics
Classification: Uncertain significance for Inborn genetic diseases. Last evaluated: 2025-08-31. Review status: criteria provided, single submitter. Criteria: Ambry Variant Classification Scheme 2023. Collection method: clinical testing. Allele origin: germline.

Labcorp Genetics (formerly Invitae), Labcorp
Classification: Uncertain significance. Last evaluated: 2025-01-18. Review status: criteria provided, single submitter. Criteria: Invitae Variant Classification Sherloc (09022015). Collection method: clinical testing. Allele origin: germline.
Comment: This sequence change replaces valine, which is neutral and non-polar, with isoleucine, which is neutral and non-polar, at codon 441 of the ABL1 protein (p.Val441Ile). This variant is not present in population databases (gnomAD no frequency). This variant has not been reported in the literature in individuals affected with ABL1-related conditions. ClinVar contains an entry for this variant (Variation ID: 1984011). An algorithm developed to predict the effect of missense changes on protein structure and function outputs the following: PolyPhen-2: "Benign". The isoleucine amino acid residue is found in multiple mammalian species, which suggests that this missense change does not adversely affect protein function. In summary, the available evidence is currently insufficient to determine the role of this variant in disease. Therefore, it has been classified as a Variant of Uncertain Significance.